The following is an entry in ClinVar:

NM_004434.3(EML1):c.1225C>G (p.Gln409Glu)

Gene: EML1 (EMAP like 1; plus strand). Cytogenetic location: 14q32.2.
Variant type: single nucleotide variant.
Coding change: c.1225C>G on transcript NM_004434.3 (MANE Select); coding-DNA position 1225, C replaced by G.
Protein change: p.Gln409Glu; replaces glutamine 409 with glutamic acid.
Molecular consequence: missense variant.
Genome position (GRCh38, 1-based): chr14:99,909,465, C>G. VCF-style: chr14-99909465-C-G. GRCh37 (hg19) VCF-style: chr14-100375802-C-G.
Other names: c.1225C>G (NM_004434.2); c.1282C>G, p.Gln428Glu (NM_001008707.2); c.1186C>G, p.Gln396Glu (NM_001375411.1); c.1225C>G, p.Gln409Glu (NM_001375412.1); short protein forms Q428E, Q396E, Q409E.
Identifiers: ClinVar variation 2069158 (VCV002069158.8), dbSNP rs778766049, ClinGen allele CA7342558.

ClinVar aggregate classification (germline): Uncertain significance. Review status: criteria provided, multiple submitters, no conflicts (2 of 4 stars). 4 submissions from 4 submitters: Uncertain significance (3). 1 of the submissions does not count toward it. Last evaluated 2025-11-26.

Conditions:
Inborn genetic diseases. Identifiers: MedGen C0950123, MeSH D030342.
EML1-related disorder. Also called: EML1-related condition.

Allele frequency attached by ClinVar (database versions not stated): TOPMed 0.00012; ExAC 0.00016; gnomAD exomes 0.00016; gnomAD 0.00020.
gnomAD v4.1: 272 of 1,613,974 alleles (0.017%); highest among the groups gnomAD compares: Non-Finnish European, 0.018%; no homozygotes.

Submissions (4):

Labcorp Genetics (formerly Invitae), Labcorp
Classification: Uncertain significance. Last evaluated: 2025-11-26. Review status: criteria provided, single submitter. Criteria: Invitae Variant Classification Sherloc (09022015). Collection method: clinical testing. Allele origin: germline.
Comment: This sequence change replaces glutamine, which is neutral and polar, with glutamic acid, which is acidic and polar, at codon 409 of the EML1 protein (p.Gln409Glu). This variant is present in population databases (rs778766049, gnomAD 0.2%). This variant has not been reported in the literature in individuals affected with EML1-related conditions. ClinVar contains an entry for this variant (Variation ID: 2069158). An algorithm developed to predict the effect of missense changes on protein structure and function (PolyPhen-2) suggests that this variant is likely to be disruptive. In summary, the available evidence is currently insufficient to determine the role of this variant in disease. Therefore, it has been classified as a Variant of Uncertain Significance.

Blueprint Genetics
Classification: Uncertain significance. Last evaluated: 2024-10-18. Review status: criteria provided, single submitter. Criteria: ACMG Guidelines, 2015. Collection method: clinical testing. Allele origin: germline.

Ambry Genetics
Classification: Uncertain significance for Inborn genetic diseases. Last evaluated: 2022-04-08. Review status: criteria provided, single submitter. Criteria: Ambry Variant Classification Scheme 2023. Collection method: clinical testing. Allele origin: germline.

PreventionGenetics, part of Exact Sciences
Classification: Likely benign for EML1-related condition. Last evaluated: 2023-12-12. Review status: no assertion criteria provided. Collection method: clinical testing. Allele origin: germline. Not counted in ClinVar's aggregate classification.
Comment: This variant is classified as likely benign based on ACMG/AMP sequence variant interpretation guidelines (Richards et al. 2015 PMID: 25741868, with internal and published modifications).